The following is an entry in ClinVar:

ClinVar aggregate classification (germline): Uncertain significance (1 of 4 stars; one submission).

Conditions:
Alpha thalassemia-X-linked intellectual disability syndrome (ATRX). Also called: ALPHA-THALASSEMIA/MENTAL RETARDATION SYNDROME, X-LINKED; ATR, NONDELETION TYPE; ATR-X syndrome; Alpha thalassemia mental retardation syndrome, nondeletion type, X-linked; XLMR hypotonic face syndrome; X-linked alpha-thalassemia-mental retardation syndrome. Identifiers: Orphanet 847, MedGen C1845055, MONDO:0010519, OMIM 301040.

Submission:

Labcorp Genetics (formerly Invitae), Labcorp
Classification: Uncertain significance for Alpha thalassemia-X-linked intellectual disability syndrome. Last evaluated: 2023-03-19. Review status: criteria provided, single submitter. Criteria: Invitae Variant Classification Sherloc (09022015). Collection method: clinical testing. Allele origin: germline.
Comment: Advanced modeling of protein sequence and biophysical properties (such as structural, functional, and spatial information, amino acid conservation, physicochemical variation, residue mobility, and thermodynamic stability) performed at Invitae indicates that this missense variant is not expected to disrupt ATRX protein function. In summary, the available evidence is currently insufficient to determine the role of this variant in disease. Therefore, it has been classified as a Variant of Uncertain Significance. This variant has not been reported in the literature in individuals affected with ATRX-related conditions. This variant is not present in population databases (gnomAD no frequency). This sequence change replaces arginine, which is basic and polar, with lysine, which is basic and polar, at codon 881 of the ATRX protein (p.Arg881Lys).

NM_000489.6(ATRX):c.2642G>A (p.Arg881Lys)

Gene: ATRX (ATRX chromatin remodeler; minus strand). Cytogenetic location: Xq21.1.
Variant type: single nucleotide variant.
Coding change: c.2642G>A on transcript NM_000489.6 (MANE Select); coding-DNA position 2642, G replaced by A.
Protein change: p.Arg881Lys; replaces arginine 881 with lysine.
Molecular consequence: missense variant.
Genome position (GRCh38, 1-based): chrX:77,682,614, C>T on the plus strand (G>A on the coding strand, the complement: ATRX is on the minus strand). VCF-style: chrX-77682614-C-T. GRCh37 (hg19) VCF-style: chrX-76938106-C-T.
Other names: c.2528G>A, p.Arg843Lys (NM_138270.5); short protein forms R881K, R843K.
Identifiers: ClinVar variation 2903109 (VCV002903109.3), dbSNP rs2071284977, ClinGen allele CA413711219.
Genomic context (GRCh38, chrX:77,682,614, plus strand): 5'-ATGGTCGTGTCTTTATCAACTGTGCCTTCTGCTGAAGAGAAAGTCTCTCTCTCTTGTTTT[C>T]TTTCAGCATCATCAGATGATCCTTCTTGTGAGGTCTTCAAATTTTTGTGCCCTTGATTAT-3'
Protein context (NP_000480.3, residues 871-891): SQEGSSDDAE[Arg881Lys]KQERETFSSA